The following is an entry in ClinVar:

ClinVar aggregate classification (germline): Conflicting classifications of pathogenicity. Review status: criteria provided, conflicting classifications (1 of 4 stars). 4 submissions from 4 submitters: Uncertain significance (3); Likely benign (1). Last evaluated 2025-04-07.

Conditions:
Hereditary cancer-predisposing syndrome. Also called: Hereditary Cancer Syndrome; Neoplastic Syndromes, Hereditary; Hereditary neoplastic syndrome; Tumor predisposition. Identifiers: Orphanet 140162, MedGen C0027672, MeSH D009386, MONDO:0015356.
Hereditary breast ovarian cancer syndrome. Also called: BRCA1- and BRCA2-Associated Hereditary Breast and Ovarian Cancer; Hereditary breast and ovarian cancer syndrome; Hereditary breast and/or ovarian cancer syndrome; Breast and ovarian cancer; Hereditary breast and ovarian cancer; Hereditary breast and ovarian cancer syndrome (HBOC). Identifiers: Orphanet 145, MedGen C0677776, MeSH D061325, MONDO:0003582. Disease mechanism: loss of function.

Allele frequency attached by ClinVar (database versions not stated): gnomAD exomes below 0.00001.
gnomAD v4.1: 1 of 1,614,020 alleles (0.000062%); highest among the groups gnomAD compares: South Asian, 0.0011%; no homozygotes.

Submissions (4):

Labcorp Genetics (formerly Invitae), Labcorp
Classification: Uncertain significance for Hereditary breast ovarian cancer syndrome. Last evaluated: 2025-04-07. Review status: criteria provided, single submitter. Criteria: Invitae Variant Classification Sherloc (09022015). Collection method: clinical testing. Allele origin: germline.
Comment: This sequence change replaces valine, which is neutral and non-polar, with isoleucine, which is neutral and non-polar, at codon 447 of the BRCA1 protein (p.Val447Ile). This variant is not present in population databases (gnomAD no frequency). This variant has not been reported in the literature in individuals affected with BRCA1-related conditions. ClinVar contains an entry for this variant (Variation ID: 142873). Invitae Evidence Modeling of protein sequence and biophysical properties (such as structural, functional, and spatial information, amino acid conservation, physicochemical variation, residue mobility, and thermodynamic stability) indicates that this missense variant is not expected to disrupt BRCA1 protein function with a negative predictive value of 80%. In summary, the available evidence is currently insufficient to determine the role of this variant in disease. Therefore, it has been classified as a Variant of Uncertain Significance.

University of Washington Department of Laboratory Medicine, University of Washington
Classification: Likely benign for Hereditary cancer-predisposing syndrome. Last evaluated: 2023-03-23. Review status: criteria provided, single submitter. Criteria: Dines et al. (Genet Med. 2020). Collection method: curation. Allele origin: germline.
Comment: Missense variant in a coldspot region where missense variants are very unlikely to be pathogenic (PMID:31911673).

BRCA1 coldspot (exon 11 using historical exon numbering). Reclassification based on statistical prior probability

Color Diagnostics, LLC DBA Color Health
Classification: Uncertain significance for Hereditary cancer-predisposing syndrome. Last evaluated: 2020-08-04. Review status: criteria provided, single submitter. Criteria: ACMG Guidelines, 2015. Collection method: clinical testing. Allele origin: germline.
Comment: This missense variant replaces valine with isoleucine at codon 447 of the BRCA1 protein. Computational prediction is inconclusive regarding the impact of this variant on protein structure and function (internally defined REVEL score threshold 0.5 < inconclusive < 0.7, PMID: 27666373). To our knowledge, functional studies have not been reported for this variant. This variant has not been reported in individuals affected with hereditary cancer in the literature. This variant has not been identified in the general population by the Genome Aggregation Database (gnomAD). The available evidence is insufficient to determine the role of this variant in disease conclusively. Therefore, this variant is classified as a Variant of Uncertain Significance.

Ambry Genetics
Classification: Uncertain significance for Hereditary cancer-predisposing syndrome. Last evaluated: 2018-03-26. Review status: criteria provided, single submitter. Criteria: Ambry Variant Classification Scheme 2023. Collection method: clinical testing. Allele origin: germline.
Comment: The p.V447I variant (also known as c.1339G>A), located in coding exon 9 of the BRCA1 gene, results from a G to A substitution at nucleotide position 1339. The valine at codon 447 is replaced by isoleucine, an amino acid with highly similar properties. This amino acid position is poorly conserved in available vertebrate species. In addition, the in silico prediction for this alteration is inconclusive. Since supporting evidence is limited at this time, the clinical significance of this alteration remains unclear.

NM_007294.4(BRCA1):c.1339G>A (p.Val447Ile)

Gene: BRCA1 (BRCA1 DNA repair associated; minus strand). Cytogenetic location: 17q21.31.
Variant type: single nucleotide variant.
Coding change: c.1339G>A on transcript NM_007294.4 (MANE Select); coding-DNA position 1339, G replaced by A.
Protein change: p.Val447Ile; replaces valine 447 with isoleucine.
Molecular consequence: missense variant. On other transcripts: intron variant (137).
Genome position (GRCh38, 1-based): chr17:43,094,192, C>T on the plus strand (G>A on the coding strand, the complement: BRCA1 is on the minus strand). VCF-style: chr17-43094192-C-T. GRCh37 (hg19) VCF-style: chr17-41246209-C-T.
Other names: c.1075G>A, p.Val359Ile (NM_001407922.1, NM_001407923.1, NM_001407924.1 and 9 more transcripts); c.1072G>A, p.Val358Ile (NM_001407930.1, NM_001407931.1, NM_001407932.1 and 2 more transcripts); c.1216G>A, p.Val406Ile (NM_001407937.1, NM_001407938.1, NM_001407939.1 and 19 more transcripts); c.1213G>A, p.Val405Ile (NM_001407940.1, NM_001407941.1, NM_001407649.1 and 11 more transcripts); c.1198G>A, p.Val400Ile (NM_001407942.1, NM_001407944.1, NM_001407945.1 and 29 more transcripts); c.1195G>A, p.Val399Ile (NM_001407943.1, NM_001407964.1, NM_001407740.1 and 20 more transcripts); c.1006G>A, p.Val336Ile (NM_001407946.1, NM_001407947.1, NM_001407948.1 and 6 more transcripts); c.1003G>A, p.Val335Ile (NM_001407954.1, NM_001407955.1, NM_001407956.1 and 1 more transcripts); and 40 more; short protein forms V447I, V400I, V358I, V379I, V380I, V399I, V406I, V420I.
Identifiers: ClinVar variation 142873 (VCV000142873.20), dbSNP rs587782784, ClinGen allele CA000874.